The following is an entry in ClinVar:

ClinVar aggregate classification (germline): Benign. Review status: criteria provided, multiple submitters, no conflicts (2 of 4 stars). 3 submissions from 3 submitters: Benign (3). Last evaluated 2026-01-27.

Conditions:
Hypotrichosis 6 (HYPT6). Also called: HYPOTRICHOSIS, LOCALIZED, AUTOSOMAL RECESSIVE 1; MONILETHRIX-LIKE HYPOTRICHOSIS. Identifiers: Orphanet 55654, MedGen C1842839, MONDO:0011932, OMIM 607903.

Allele frequency attached by ClinVar (database versions not stated): gnomAD 0.01818 and 0.01924; ESP Exome Variant Server 0.01961; TOPMed 0.02068; 1000 Genomes Project 0.02276; 1000 Genomes Project 30x 0.02280.
gnomAD v4.1: 5,917 of 1,614,036 alleles (0.37%); highest among the groups gnomAD compares: African/African-American, 6.2%; 166 homozygotes.

Submissions (3):

Labcorp Genetics (formerly Invitae), Labcorp
Classification: Benign. Last evaluated: 2026-01-27. Review status: criteria provided, single submitter. Criteria: Invitae Variant Classification Sherloc (09022015). Collection method: clinical testing. Allele origin: germline.

Illumina Laboratory Services, Illumina
Classification: Benign for Hypotrichosis 6. Last evaluated: 2018-01-13. Review status: criteria provided, single submitter. Criteria: ICSL Variant Classification Criteria 13 December 2019. Collection method: clinical testing. Allele origin: germline.
Comment: This variant was observed in the ICSL laboratory as part of a predisposition screen in an ostensibly healthy population. It had not been previously curated by ICSL or reported in the Human Gene Mutation Database (HGMD: prior to June 1st, 2018), and was therefore a candidate for classification through an automated scoring system. Utilizing variant allele frequency, disease prevalence and penetrance estimates, and inheritance mode, an automated score was calculated to assess if this variant is too frequent to cause the disease. Based on the score and internal cut-off values, a variant classified as benign is not then subjected to further curation. The score for this variant resulted in a classification of benign for this disease.

Breakthrough Genomics
Classification: Benign. Review status: criteria provided, single submitter. Criteria: ACMG Guidelines, 2015. Collection method: not provided. Allele origin: germline. Inheritance: Autosomal recessive inheritance. Affected: yes.

NM_177986.5(DSG4):c.1604T>C (p.Ile535Thr)

Genes: DSG1-AS1 (DSG1 antisense RNA 1; minus strand), DSG4 (desmoglein 4; plus strand). Cytogenetic location: 18q12.1.
Variant type: single nucleotide variant.
Coding change: c.1604T>C on transcript NM_177986.5 (MANE Select); coding-DNA position 1604, T replaced by C.
Protein change: p.Ile535Thr; replaces isoleucine 535 with threonine.
Molecular consequence: missense variant.
Genome position (GRCh38, 1-based): chr18:31,403,602, T>C. VCF-style: chr18-31403602-T-C. GRCh37 (hg19) VCF-style: chr18-28983565-T-C.
Other names: c.1604T>C, p.Ile535Thr (NM_001134453.3); short protein forms I535T.
Identifiers: ClinVar variation 326437 (VCV000326437.15), dbSNP rs7229252, ClinGen allele CA8927045.